The following is an entry in ClinVar:

ClinVar aggregate classification (germline): Uncertain significance. Review status: criteria provided, multiple submitters, no conflicts (2 of 4 stars). 2 submissions from 2 submitters: Uncertain significance (2). Last evaluated 2024-03-11.

Allele frequency attached by ClinVar (database versions not stated): TOPMed below 0.00001; gnomAD 0.00001; gnomAD exomes 0.00001.
gnomAD v4.1: 8 of 1,313,206 alleles (0.00061%); highest among the groups gnomAD compares: Middle Eastern, 0.021%; no homozygotes.

Submissions (2):

Labcorp Genetics (formerly Invitae), Labcorp
Classification: Uncertain significance. Last evaluated: 2024-03-11. Review status: criteria provided, single submitter. Criteria: Invitae Variant Classification Sherloc (09022015). Collection method: clinical testing. Allele origin: germline.
Comment: This sequence change falls in intron 1 of the ARL3 gene. It does not directly change the encoded amino acid sequence of the ARL3 protein. It affects a nucleotide within the consensus splice site. This variant is present in population databases (no rsID available, gnomAD 0.003%). This variant has been observed in individual(s) with retinitis pigmentosa (Invitae). ClinVar contains an entry for this variant (Variation ID: 1356318). Variants that disrupt the consensus splice site are a relatively common cause of aberrant splicing (PMID: 17576681, 9536098). Algorithms developed to predict the effect of sequence changes on RNA splicing suggest that this variant may disrupt the consensus splice site. In summary, the available evidence is currently insufficient to determine the role of this variant in disease. Therefore, it has been classified as a Variant of Uncertain Significance.

Blueprint Genetics
Classification: Uncertain significance. Last evaluated: 2022-10-13. Review status: criteria provided, single submitter. Criteria: ACMG Guidelines, 2015. Collection method: clinical testing. Allele origin: germline.

Literature cited by the submitters: PubMed 17576681 (cited by Labcorp Genetics (formerly Invitae), Labcorp); PubMed 9536098 (cited by Labcorp Genetics (formerly Invitae), Labcorp).

NM_004311.4(ARL3):c.3+3G>T

Gene: ARL3 (ARF like GTPase 3; minus strand). Cytogenetic location: 10q24.32.
Variant type: single nucleotide variant.
Coding change: c.3+3G>T on transcript NM_004311.4 (MANE Select); 3 bases into the intron after coding-DNA position 3, G replaced by T.
Molecular consequence: intron variant.
Genome position (GRCh38, 1-based): chr10:102,714,270, C>A on the plus strand (G>T on the coding strand, the complement: ARL3 is on the minus strand). VCF-style: chr10-102714270-C-A. GRCh37 (hg19) VCF-style: chr10-104474027-C-A.
Identifiers: ClinVar variation 1356318 (VCV001356318.7), dbSNP rs896572450, ClinGen allele CA212270813.